The following is an entry in ClinVar:

ClinVar aggregate classification (germline): Uncertain significance (1 of 4 stars; one submission).

Conditions:
Familial sleep-related hypermotor epilepsy. Also called: Autosomal Dominant Sleep-Related Hypermotor (Hyperkinetic) Epilepsy. Identifiers: Orphanet 98784, MedGen C3696898, MONDO:0000030.

Submission:

Labcorp Genetics (formerly Invitae), Labcorp
Classification: Uncertain significance. Last evaluated: 2024-11-08. Review status: criteria provided, single submitter. Criteria: Invitae Variant Classification Sherloc (09022015). Collection method: clinical testing. Allele origin: germline.
Comment: This sequence change replaces cysteine, which is neutral and slightly polar, with arginine, which is basic and polar, at codon 226 of the CHRNA4 protein (p.Cys226Arg). This variant is not present in population databases (gnomAD no frequency). This variant has not been reported in the literature in individuals affected with CHRNA4-related conditions. Invitae Evidence Modeling of protein sequence and biophysical properties (such as structural, functional, and spatial information, amino acid conservation, physicochemical variation, residue mobility, and thermodynamic stability) indicates that this missense variant is expected to disrupt CHRNA4 protein function with a positive predictive value of 80%. In summary, the available evidence is currently insufficient to determine the role of this variant in disease. Therefore, it has been classified as a Variant of Uncertain Significance.

NM_000744.7(CHRNA4):c.676T>C (p.Cys226Arg)

Gene: CHRNA4 (cholinergic receptor nicotinic alpha 4 subunit; minus strand). Cytogenetic location: 20q13.33.
Variant type: single nucleotide variant.
Coding change: c.676T>C on transcript NM_000744.7 (MANE Select); coding-DNA position 676, T replaced by C.
Protein change: p.Cys226Arg; replaces cysteine 226 with arginine.
Molecular consequence: missense variant. On other transcripts: non-coding transcript variant (1).
Genome position (GRCh38, 1-based): chr20:63,350,735, A>G on the plus strand (T>C on the coding strand, the complement: CHRNA4 is on the minus strand). VCF-style: chr20-63350735-A-G. GRCh37 (hg19) VCF-style: chr20-61982087-A-G.
Other names: c.148T>C, p.Cys50Arg (NM_001256573.2); short protein forms C226R, C50R.
Identifiers: ClinVar variation 3720168 (VCV003720168.2).
Genomic context (GRCh38, chr20:63,350,735, plus strand): 5'-AGAAGAGCGGCAGCCGCCGGATGACGAAGGCATAGGTGATGTCCGGGTAGATCTCGGCAC[A>G]GCACTCGTACTTCCTGGTGTTGTAGGTGCCCACGGCATCCACGATGACCCACTCGCCACT-3'
Protein context (NP_000735.1, residues 216-236): GTYNTRKYEC[Cys226Arg]AEIYPDITYA